The following is an entry in ClinVar:

NM_001267550.2(TTN):c.59598_59599dup (p.Thr19867fs)

Genes: TTN (titin; minus strand), TTN-AS1 (TTN antisense RNA 1; plus strand), LOC126806424 (CDK7 strongly-dependent group 2 enhancer GRCh37_chr2:179456337-179457536; plus strand). Cytogenetic location: 2q31.2.
Variant type: Duplication.
Coding change: c.59598_59599dup on transcript NM_001267550.2 (MANE Select); coding-DNA positions 59598 to 59599, 2 bases duplicated (AA; older notation c.59598_59599dupAA).
Protein change: p.Thr19867fs; shifts the reading frame from threonine 19867.
Molecular consequence: frameshift variant.
Genome position (GRCh38, 1-based): chr2:178,592,406-178,592,407, TT duplicated on the plus strand (AA on the coding strand, the reverse complement: TTN is on the minus strand); duplicating any 2 consecutive bases within chr2:178,592,406-178,592,410 gives the same sequence; the c. name uses the placement nearest the transcript's 3' end. VCF-style (leftmost placement, unchanged base first): chr2-178592405-G-GTT. GRCh37 (hg19) VCF-style: chr2-179457132-G-GTT.
Other names: c.54675_54676dup, p.Thr18226fs (NM_001256850.1); c.32403_32404dup, p.Thr10802fs (NM_003319.4); c.51894_51895dup, p.Thr17299fs (NM_133378.4); c.32778_32779dup, p.Thr10927fs (NM_133432.3); c.32979_32980dup, p.Thr10994fs (NM_133437.4); short protein forms T10802fs, T10927fs, T10994fs, T17299fs, T18226fs, T19867fs.
Identifiers: ClinVar variation 1067914 (VCV001067914.9), dbSNP rs2154185622, ClinGen allele CA2499215405.
Genomic context (GRCh38, chr2:178,592,405, plus strand): 5'-TTATTTTTAATGGCCTAAGTAGTAAAATTCTTACCTAATACAAGTACTTTTACTGAGACA[G>GTT]TTTTTGAACCAGCTGGATTCTCCACTGTTAAAGAATAAATTCCACCATCTTCATGGGCAG-3'

ClinVar aggregate classification (germline): Likely pathogenic (1 of 4 stars; one submission).

Conditions:
Dilated cardiomyopathy 1G (CMD1G). Identifiers: Orphanet 154, MedGen C1858763, MONDO:0011400, OMIM 604145.
Autosomal recessive limb-girdle muscular dystrophy type 2J (LGMDR10). Also called: Limb-girdle muscular dystrophy, type 2J; MUSCULAR DYSTROPHY, LIMB-GIRDLE, AUTOSOMAL RECESSIVE 10. Identifiers: Orphanet 140922, MedGen C1837342, MONDO:0012127, OMIM 608807.

Submission:

Labcorp Genetics (formerly Invitae), Labcorp
Classification: Likely pathogenic for Dilated cardiomyopathy 1G; Autosomal recessive limb-girdle muscular dystrophy type 2J. Last evaluated: 2025-01-06. Review status: criteria provided, single submitter. Criteria: Invitae Variant Classification Sherloc (09022015). Collection method: clinical testing. Allele origin: germline.
Comment: This sequence change creates a premature translational stop signal (p.Thr19867Lysfs*5) in the TTN gene. While this is not anticipated to result in nonsense mediated decay, it is expected to create a truncated TTN protein. This variant is not present in population databases (gnomAD no frequency). This variant has not been reported in the literature in individuals affected with TTN-related conditions. ClinVar contains an entry for this variant (Variation ID: 1067914). This variant is located in the A band of TTN (PMID: 25589632). Truncating variants in this region are significantly overrepresented in patients affected with dilated cardiomyopathy (PMID: 25589632). Truncating variants in this region have also been reported in individuals affected with autosomal recessive centronuclear myopathy (PMID: 23975875). In summary, the currently available evidence indicates that the variant is pathogenic, but additional data are needed to prove that conclusively. Therefore, this variant has been classified as Likely Pathogenic.

Literature cited by the submitters: PubMed 25589632; PubMed 23975875.